The following is an entry in ClinVar:

ClinVar aggregate classification (germline): Uncertain significance (1 of 4 stars; one submission).

Conditions:
Hereditary cancer-predisposing syndrome. Also called: Neoplastic Syndromes, Hereditary; Tumor predisposition; Hereditary Cancer Syndrome; Hereditary neoplastic syndrome. Identifiers: Orphanet 140162, MedGen C0027672, MeSH D009386, MONDO:0015356.

Submission:

Ambry Genetics
Classification: Uncertain significance for Hereditary cancer-predisposing syndrome. Last evaluated: 2022-04-04. Review status: criteria provided, single submitter. Criteria: Ambry Variant Classification Scheme 2023. Collection method: clinical testing. Allele origin: germline.
Comment: The p.T1133A variant (also known as c.3397A>G), located in coding exon 13 of the PALB2 gene, results from an A to G substitution at nucleotide position 3397. The threonine at codon 1133 is replaced by alanine, an amino acid with similar properties. This amino acid position is conserved. In addition, this alteration is predicted to be tolerated by in silico analysis. Since supporting evidence is limited at this time, the clinical significance of this alteration remains unclear.

NM_024675.4(PALB2):c.3397A>G (p.Thr1133Ala)

Gene: PALB2 (partner and localizer of BRCA2; minus strand). Cytogenetic location: 16p12.2.
Variant type: single nucleotide variant.
Coding change: c.3397A>G on transcript NM_024675.4 (MANE Select); coding-DNA position 3397, A replaced by G.
Protein change: p.Thr1133Ala; replaces threonine 1133 with alanine.
Molecular consequence: missense variant.
Genome position (GRCh38, 1-based): chr16:23,603,623, T>C on the plus strand (A>G on the coding strand, the complement: PALB2 is on the minus strand). VCF-style: chr16-23603623-T-C. GRCh37 (hg19) VCF-style: chr16-23614944-T-C.
Other names: c.3337A>G, p.Thr1113Ala (NM_001407296.1); c.3325A>G, p.Thr1109Ala (NM_001407297.1); c.3235A>G, p.Thr1079Ala (NM_001407298.1); c.3160A>G, p.Thr1054Ala (NM_001407299.1); c.3118A>G, p.Thr1040Ala (NM_001407300.1); c.*32A>G (NM_001407301.1, NM_001407302.1, NM_001407310.1 and 2 more transcripts); c.2512A>G, p.Thr838Ala (NM_001407304.1, NM_001407305.1, NM_001407306.1); c.2350A>G, p.Thr784Ala (NM_001407307.1); and 3 more; short protein forms T1113A, T1133A, T537A, T784A, T1109A, T838A, T1040A, T1079A.
Identifiers: ClinVar variation 1730951 (VCV001730951.2), dbSNP rs2142254680, ClinGen allele CA395138254.